The following is an entry in ClinVar:

NM_001287491.2(TET3):c.236G>A (p.Arg79His)

Gene: TET3 (tet methylcytosine dioxygenase 3; plus strand). Cytogenetic location: 2p13.1.
Variant type: single nucleotide variant.
Coding change: c.236G>A on transcript NM_001287491.2 (MANE Select); coding-DNA position 236, G replaced by A.
Protein change: p.Arg79His; replaces arginine 79 with histidine.
Molecular consequence: missense variant.
Genome position (GRCh38, 1-based): chr2:73,986,639, G>A. VCF-style: chr2-73986639-G-A. GRCh37 (hg19) VCF-style: chr2-74213766-G-A.
Other names: short protein forms R79H.
Identifiers: ClinVar variation 4057105 (VCV004057105.1).

ClinVar aggregate classification (germline): Uncertain significance (1 of 4 stars; one submission).

gnomAD v4.1: 2 of 1,232,130 alleles (0.00016%); highest among the groups gnomAD compares: South Asian, 0.0041%; no homozygotes.

Submission:

GeneDx
Classification: Uncertain significance. Last evaluated: 2025-01-09. Review status: criteria provided, single submitter. Criteria: GeneDx Variant Classification Process June 2021. Collection method: clinical testing. Allele origin: germline. Affected: yes.
Comment: No data available from control populations to assess the frequency of this variant; Has not been previously published as pathogenic or benign to our knowledge; In silico analysis does not support a benign or deleterious effect of this variant on protein structure/function